The following is an entry in ClinVar:

ClinVar aggregate classification (germline): Uncertain significance (1 of 4 stars; one submission).

Submission:

Ambry Genetics
Classification: Uncertain significance. Last evaluated: 2022-07-16. Review status: criteria provided, single submitter. Criteria: Ambry Variant Classification Scheme 2023. Collection method: clinical testing. Allele origin: germline.
Comment: The p.A1308V variant (also known as c.3923C>T), located in coding exon 4 of the ALPK2 gene, results from a C to T substitution at nucleotide position 3923. The alanine at codon 1308 is replaced by valine, an amino acid with similar properties. This amino acid position is conserved. In addition, this alteration is predicted to be tolerated by in silico analysis. Since supporting evidence is limited at this time, the clinical significance of this alteration remains unclear.

NM_052947.4(ALPK2):c.3923C>T (p.Ala1308Val)

Genes: ALPK2 (alpha kinase 2; minus strand), LOC126862764 (BRD4-independent group 4 enhancer GRCh37_chr18:56202574-56203773; plus strand). Cytogenetic location: 18q21.31.
Variant type: single nucleotide variant.
Coding change: c.3923C>T on transcript NM_052947.4 (MANE Select); coding-DNA position 3923, C replaced by T.
Protein change: p.Ala1308Val; replaces alanine 1308 with valine.
Molecular consequence: missense variant.
Genome position (GRCh38, 1-based): chr18:58,536,264, G>A on the plus strand (C>T on the coding strand, the complement: ALPK2 is on the minus strand). VCF-style: chr18-58536264-G-A. GRCh37 (hg19) VCF-style: chr18-56203496-G-A.
Other names: short protein forms A1308V.
Identifiers: ClinVar variation 1736217 (VCV001736217.2), dbSNP rs2518875722, ClinGen allele CA402565169.
Genomic context (GRCh38, chr18:58,536,264, plus strand): 5'-AGACTTCTCCAATGTACACTGATGGTGGGCTCTTCGCCTTTATGGCTTTCTCTGCTATCA[G>A]CAAGGGCTGACTCAGCATCCTCTGGACTGTGAGCCAATGCTGCTATTTCAGAGGGGGCCA-3'
Protein context (NP_443179.3, residues 1298-1318): HSPEDAESAL[Ala1308Val]DSRESHKGEE